The following is an entry in ClinVar:

ClinVar aggregate classification (germline): Uncertain significance (1 of 4 stars; one submission).

Conditions:
Inborn genetic diseases. Identifiers: MedGen C0950123, MeSH D030342.

Submission:

Ambry Genetics
Classification: Uncertain significance for Inborn genetic diseases. Last evaluated: 2024-03-23. Review status: criteria provided, single submitter. Criteria: Ambry Variant Classification Scheme 2023. Collection method: clinical testing. Allele origin: germline.
Comment: The p.V2472A variant (also known as c.7415T>C), located in coding exon 50 of the LRRK2 gene, results from a T to C substitution at nucleotide position 7415. The valine at codon 2472 is replaced by alanine, an amino acid with similar properties. This amino acid position is conserved. In addition, the in silico prediction for this alteration is inconclusive. Based on the available evidence, the clinical significance of this alteration remains unclear.

NM_198578.4(LRRK2):c.7415T>C (p.Val2472Ala)

Gene: LRRK2 (leucine rich repeat kinase 2; plus strand). Cytogenetic location: 12q12.
Variant type: single nucleotide variant.
Coding change: c.7415T>C on transcript NM_198578.4 (MANE Select); coding-DNA position 7415, T replaced by C.
Protein change: p.Val2472Ala; replaces valine 2472 with alanine.
Molecular consequence: missense variant.
Genome position (GRCh38, 1-based): chr12:40,367,030, T>C. VCF-style: chr12-40367030-T-C. GRCh37 (hg19) VCF-style: chr12-40760832-T-C.
Other names: short protein forms V2472A.
Identifiers: ClinVar variation 3291931 (VCV003291931.1).